The following is an entry in ClinVar:

NM_016816.4(OAS1):c.311G>A (p.Arg104Lys)

Gene: OAS1 (2'-5'-oligoadenylate synthetase 1; plus strand). Cytogenetic location: 12q24.13.
Variant type: single nucleotide variant.
Coding change: c.311G>A on transcript NM_016816.4 (MANE Select); coding-DNA position 311, G replaced by A.
Protein change: p.Arg104Lys; replaces arginine 104 with lysine.
Molecular consequence: missense variant. On other transcripts: non-coding transcript variant (9), intron variant (4).
Genome position (GRCh38, 1-based): chr12:112,908,666, G>A. VCF-style: chr12-112908666-G-A. GRCh37 (hg19) VCF-style: chr12-113346471-G-A.
Other names: c.311G>A, p.Arg104Lys (NM_001032409.3, NM_001320151.2, NM_001406020.1 and 7 more transcripts); c.180+1447G>A (NM_001406030.1, NM_001406029.1, NM_001406027.1 and 1 more transcripts); short protein forms R104K.
Identifiers: ClinVar variation 2905716 (VCV002905716.3), dbSNP rs764672017, ClinGen allele CA6799735.

ClinVar aggregate classification (germline): Uncertain significance (1 of 4 stars; one submission).

Allele frequency attached by ClinVar (database versions not stated): gnomAD 0.00001; ExAC 0.00002; TOPMed below 0.00001; gnomAD exomes 0.00002.
gnomAD v4.1: 38 of 1,614,110 alleles (0.0024%); highest among the groups gnomAD compares: South Asian, 0.04%; no homozygotes.

Submission:

Labcorp Genetics (formerly Invitae), Labcorp
Classification: Uncertain significance. Last evaluated: 2025-05-27. Review status: criteria provided, single submitter. Criteria: Invitae Variant Classification Sherloc (09022015). Collection method: clinical testing. Allele origin: germline.
Comment: This sequence change replaces arginine, which is basic and polar, with lysine, which is basic and polar, at codon 104 of the OAS1 protein (p.Arg104Lys). This variant is present in population databases (rs764672017, gnomAD 0.04%), and has an allele count higher than expected for a pathogenic variant. This variant has not been reported in the literature in individuals affected with OAS1-related conditions. ClinVar contains an entry for this variant (Variation ID: 2905716). An algorithm developed to predict the effect of missense changes on protein structure and function outputs the following: PolyPhen-2: "Benign". The lysine amino acid residue is found in multiple mammalian species, which suggests that this missense change does not adversely affect protein function. In summary, the available evidence is currently insufficient to determine the role of this variant in disease. Therefore, it has been classified as a Variant of Uncertain Significance.